The following is an entry in ClinVar:

ClinVar aggregate classification (germline): Uncertain significance (1 of 4 stars; one submission).

Conditions:
Intellectual developmental disorder with or without epilepsy or cerebellar ataxia. Identifiers: MedGen C4748041, MONDO:0060745, OMIM 618060.

Submission:

Neuberg Centre For Genomic Medicine, NCGM
Classification: Uncertain significance for Intellectual developmental disorder with or without epilepsy or cerebellar ataxia. Review status: criteria provided, single submitter. Criteria: ACMG Guidelines, 2015. Collection method: clinical testing. Allele origin: germline. Inheritance: Autosomal dominant inheritance. Affected: yes.
Comment: The missense variant c.842C>T (p.Ser281Phe) in RORA gene has not been reported previously as a pathogenic variant nor as a benign variant, to our knowledge. The p.Ser281Phe variant is novel (not in any individuals) in gnomAD Exomes and 1000 Genomes. The amino acid Ser at position 281 is changed to a Phe changing protein sequence and it might alter its composition and physico-chemical properties. For these reasons, this variant has been classified as Uncertain Significance.

NM_134261.3(RORA):c.842C>T (p.Ser281Phe)

Genes: RORA (RAR related orphan receptor A; minus strand), RORA-AS1 (RORA antisense RNA 1; plus strand). Cytogenetic location: 15q22.2.
Variant type: single nucleotide variant.
Coding change: c.842C>T on transcript NM_134261.3 (MANE Select); coding-DNA position 842, C replaced by T.
Protein change: p.Ser281Phe; replaces serine 281 with phenylalanine.
Molecular consequence: missense variant.
Genome position (GRCh38, 1-based): chr15:60,505,608, G>A on the plus strand (C>T on the coding strand, the complement: RORA is on the minus strand). VCF-style: chr15-60505608-G-A. GRCh37 (hg19) VCF-style: chr15-60797807-G-A.
Other names: c.917C>T, p.Ser306Phe (NM_002943.4); c.941C>T, p.Ser314Phe (NM_134260.3); c.677C>T, p.Ser226Phe (NM_134262.3); short protein forms S226F, S314F, S306F, S281F.
Identifiers: ClinVar variation 2584975 (VCV002584975.1), dbSNP rs767105674, ClinGen allele CA392669567.